The following is an entry in ClinVar:

ClinVar aggregate classification (germline): Uncertain significance (1 of 4 stars; one submission).

Submission:

Women's Health and Genetics/Laboratory Corporation of America, LabCorp
Classification: Uncertain significance. Last evaluated: 2025-10-22. Review status: criteria provided, single submitter. Criteria: LabCorp Variant Classification Summary - May 2015. Collection method: clinical testing. Allele origin: germline.
Comment: Variant summary: COL1A1 c.2302C>T (p.Pro768Ser) results in a non-conservative amino acid change in the encoded protein sequence. Algorithms developed to predict the effect of missense changes on protein structure and function all suggest that this variant is likely to be disruptive. The variant was absent in 251298 control chromosomes. The available data on variant occurrences in the general population are insufficient to allow any conclusion about variant significance. To our knowledge, no occurrence of c.2302C>T in individuals affected with COL1A1-related conditions and no experimental evidence demonstrating its impact on protein function have been reported. No submitters have cited clinical-significance assessments for this variant to ClinVar. Based on the evidence outlined above, the variant was classified as uncertain significance.

NM_000088.4(COL1A1):c.2302C>T (p.Pro768Ser)

Gene: COL1A1 (collagen type I alpha 1 chain; minus strand). Cytogenetic location: 17q21.33.
Variant type: single nucleotide variant.
Coding change: c.2302C>T on transcript NM_000088.4 (MANE Select); coding-DNA position 2302, C replaced by T.
Protein change: p.Pro768Ser; replaces proline 768 with serine.
Molecular consequence: missense variant.
Genome position (GRCh38, 1-based): chr17:50,190,858, G>A on the plus strand (C>T on the coding strand, the complement: COL1A1 is on the minus strand). VCF-style: chr17-50190858-G-A. GRCh37 (hg19) VCF-style: chr17-48268219-G-A.
Other names: short protein forms P768S.
Identifiers: ClinVar variation 4687833 (VCV004687833.1).